The following is an entry in ClinVar:

ClinVar aggregate classification (germline): Uncertain significance (1 of 4 stars; one submission).

Conditions:
Parkinsonian-pyramidal syndrome. Also called: PALLIDOPYRAMIDAL SYNDROME; PARKINSON DISEASE 15, AUTOSOMAL RECESSIVE EARLY-ONSET; PARKINSON DISEASE 15, AUTOSOMAL RECESSIVE. Identifiers: Orphanet 171695, MedGen C1850100, MONDO:0009830, OMIM 260300.

Allele frequency attached by ClinVar (database versions not stated): gnomAD exomes below 0.00001; TOPMed 0.00001.
gnomAD v4.1: 3 of 1,614,064 alleles (0.00019%); highest among the groups gnomAD compares: Non-Finnish European, 0.00025%; no homozygotes.

Submission:

Labcorp Genetics (formerly Invitae), Labcorp
Classification: Uncertain significance for Parkinsonian-pyramidal syndrome. Last evaluated: 2022-02-27. Review status: criteria provided, single submitter. Criteria: Invitae Variant Classification Sherloc (09022015). Collection method: clinical testing. Allele origin: germline.
Comment: This sequence change replaces phenylalanine, which is neutral and non-polar, with serine, which is neutral and polar, at codon 146 of the FBXO7 protein (p.Phe146Ser). This variant is not present in population databases (gnomAD no frequency). This variant has not been reported in the literature in individuals affected with FBXO7-related conditions. Algorithms developed to predict the effect of missense changes on protein structure and function (SIFT, PolyPhen-2, Align-GVGD) all suggest that this variant is likely to be tolerated. In summary, the available evidence is currently insufficient to determine the role of this variant in disease. Therefore, it has been classified as a Variant of Uncertain Significance.

NM_012179.4(FBXO7):c.437T>C (p.Phe146Ser)

Gene: FBXO7 (F-box protein 7; plus strand). Cytogenetic location: 22q12.3.
Variant type: single nucleotide variant.
Coding change: c.437T>C on transcript NM_012179.4 (MANE Select); coding-DNA position 437, T replaced by C.
Protein change: p.Phe146Ser; replaces phenylalanine 146 with serine.
Molecular consequence: missense variant.
Genome position (GRCh38, 1-based): chr22:32,483,916, T>C. VCF-style: chr22-32483916-T-C. GRCh37 (hg19) VCF-style: chr22-32879903-T-C.
Other names: c.200T>C, p.Phe67Ser (NM_001033024.2); c.95T>C, p.Phe32Ser (NM_001257990.2); short protein forms F32S, F146S, F67S.
Identifiers: ClinVar variation 2137809 (VCV002137809.1), dbSNP rs1435872093, ClinGen allele CA411331407.